The following is an entry in ClinVar:

NM_004380.3(CREBBP):c.1041_1046del (p.Asp347_Pro348del)

Gene: CREBBP (CREB binding lysine acetyltransferase; minus strand). Cytogenetic location: 16p13.3.
Variant type: Deletion.
Coding change: c.1041_1046del on transcript NM_004380.3 (MANE Select); coding-DNA positions 1041 to 1046, 6 bases deleted (TCCTGA; older notation c.1041_1046delTCCTGA).
Protein change: p.Asp347_Pro348del.
Molecular consequence: inframe deletion.
Genome position (GRCh38, 1-based): chr16:3,793,556-3,793,561, TCAGGA deleted on the plus strand (TCCTGA on the coding strand, the reverse complement: CREBBP is on the minus strand); deleting any 6 consecutive bases within chr16:3,793,556-3,793,563 gives the same sequence; the c. name uses the placement nearest the transcript's 3' end. VCF-style (leftmost placement, unchanged base first): chr16-3793555-TTCAGGA-T. GRCh37 (hg19) VCF-style: chr16-3843556-TTCAGGA-T.
Other names: c.1041_1046del, p.Asp347_Pro348del (NM_001079846.1).
Identifiers: ClinVar variation 4853924 (VCV004853924.1).

ClinVar aggregate classification (germline): Uncertain significance (1 of 4 stars; one submission).

Conditions:
CREBBP-related disorder. Also called: CREBBP-related condition; CREBBP-related disorders.

Submission:

3billion
Classification: Uncertain significance for CREBBP-related disorder. Last evaluated: 2025-05-29. Review status: criteria provided, single submitter. Criteria: ACMG Guidelines, 2015. Collection method: clinical testing. Allele origin: germline. Affected: yes.
Comment: The variant is not observed in the gnomAD v4.1.0 dataset. Predicted Consequence/Location: Inframe deletion located in a nonrepeat region: predicted to change the length of the protein and disrupt normal protein function. Therefore, this variant is classified as VUS according to the recommendation of ACMG/AMP guideline.